The following is an entry in ClinVar:

NM_005477.3(HCN4):c.466G>A (p.Gly156Ser)

Gene: HCN4 (hyperpolarization activated cyclic nucleotide gated potassium channel 4; minus strand). Cytogenetic location: 15q24.1.
Variant type: single nucleotide variant.
Coding change: c.466G>A on transcript NM_005477.3 (MANE Select); coding-DNA position 466, G replaced by A.
Protein change: p.Gly156Ser; replaces glycine 156 with serine.
Molecular consequence: missense variant.
Genome position (GRCh38, 1-based): chr15:73,367,805, C>T on the plus strand (G>A on the coding strand, the complement: HCN4 is on the minus strand). VCF-style: chr15-73367805-C-T. GRCh37 (hg19) VCF-style: chr15-73660146-C-T.
Other names: short protein forms G156S.
Identifiers: ClinVar variation 579994 (VCV000579994.11), dbSNP rs924203370, ClinGen allele CA272700334.

ClinVar aggregate classification (germline): Uncertain significance. Review status: criteria provided, multiple submitters, no conflicts (2 of 4 stars). 3 submissions from 3 submitters: Uncertain significance (3). Last evaluated 2026-01-10.

Conditions:
Brugada syndrome 8 (BRGDA8). Identifiers: Orphanet 130, MedGen C2751083, MONDO:0013148, OMIM 613123.
Sick sinus syndrome 2, autosomal dominant (SSS2). Also called: ATRIAL FIBRILLATION WITH BRADYARRHYTHMIA; SICK SINUS SYNDROME 2; SICK SINUS SYNDROME 2 WITH OR WITHOUT CARDIAC NONCOMPACTION AND/OR ASCENDING AORTA DILATION; SINUS BRADYCARDIA SYNDROME, FAMILIAL, AUTOSOMAL DOMINANT; SINUS NODE DISEASE, FAMILIAL, AUTOSOMAL DOMINANT. Identifiers: Orphanet 166282, MedGen C1834144, MONDO:0008102, OMIM 163800.
Epilepsy, idiopathic generalized, susceptibility to, 18. Identifiers: MedGen C5561983, MONDO:0030434, OMIM 619521.
Cardiovascular phenotype. Identifiers: MedGen CN230736.

Allele frequency attached by ClinVar (database versions not stated): gnomAD exomes 0.00001; gnomAD 0.00007 and 0.00008; TOPMed 0.00009.

Submissions (3):

Labcorp Genetics (formerly Invitae), Labcorp
Classification: Uncertain significance for Brugada syndrome 8. Last evaluated: 2026-01-10. Review status: criteria provided, single submitter. Criteria: Invitae Variant Classification Sherloc (09022015). Collection method: clinical testing. Allele origin: germline.
Comment: This sequence change replaces glycine, which is neutral and non-polar, with serine, which is neutral and polar, at codon 156 of the HCN4 protein (p.Gly156Ser). This variant is present in population databases (no rsID available, gnomAD 0.02%). This variant has not been reported in the literature in individuals affected with HCN4-related conditions. ClinVar contains an entry for this variant (Variation ID: 579994). Invitae Evidence Modeling of protein sequence and biophysical properties (such as structural, functional, and spatial information, amino acid conservation, physicochemical variation, residue mobility, and thermodynamic stability) indicates that this missense variant is not expected to disrupt HCN4 protein function with a negative predictive value of 95%. In summary, the available evidence is currently insufficient to determine the role of this variant in disease. Therefore, it has been classified as a Variant of Uncertain Significance.

Ambry Genetics
Classification: Uncertain significance for Cardiovascular phenotype. Last evaluated: 2025-04-03. Review status: criteria provided, single submitter. Criteria: Ambry Variant Classification Scheme 2023. Collection method: clinical testing. Allele origin: germline.
Comment: The p.G156S variant (also known as c.466G>A), located in coding exon 1 of the HCN4 gene, results from a G to A substitution at nucleotide position 466. The glycine at codon 156 is replaced by serine, an amino acid with similar properties. This amino acid position is well conserved in available vertebrate species. In addition, this alteration is predicted to be tolerated by in silico analysis. Based on the available evidence, the clinical significance of this alteration remains unclear.

Fulgent Genetics
Classification: Uncertain significance for Sick sinus syndrome 2, autosomal dominant; Brugada syndrome 8; Epilepsy, idiopathic generalized, susceptibility to, 18. Last evaluated: 2021-10-21. Review status: criteria provided, single submitter. Criteria: ACMG Guidelines, 2015. Collection method: clinical testing. Allele origin: unknown.